The following is an entry in ClinVar:

ClinVar aggregate classification (germline): Uncertain significance (1 of 4 stars; one submission).

Allele frequency attached by ClinVar (database versions not stated): gnomAD exomes 0.00001; 1000 Genomes Project 30x 0.00016; 1000 Genomes Project 0.00020; TOPMed below 0.00001; ExAC 0.00001.
gnomAD v4.1: 12 of 1,613,932 alleles (0.00074%); highest among the groups gnomAD compares: Admixed American, 0.0033%; no homozygotes.

Submission:

Labcorp Genetics (formerly Invitae), Labcorp
Classification: Uncertain significance. Last evaluated: 2025-05-05. Review status: criteria provided, single submitter. Criteria: Invitae Variant Classification Sherloc (09022015). Collection method: clinical testing. Allele origin: germline.
Comment: This sequence change replaces arginine, which is basic and polar, with cysteine, which is neutral and slightly polar, at codon 603 of the TOPORS protein (p.Arg603Cys). This variant is present in population databases (rs550660279, gnomAD 0.003%). This variant has not been reported in the literature in individuals affected with TOPORS-related conditions. ClinVar contains an entry for this variant (Variation ID: 2014907). An algorithm developed to predict the effect of missense changes on protein structure and function outputs the following: PolyPhen-2: "Not Available". The cysteine amino acid residue is found in multiple mammalian species, which suggests that this missense change does not adversely affect protein function. In summary, the available evidence is currently insufficient to determine the role of this variant in disease. Therefore, it has been classified as a Variant of Uncertain Significance.

NM_005802.5(TOPORS):c.1807C>T (p.Arg603Cys)

Gene: TOPORS (TOP1 binding arginine/serine rich protein, E3 ubiquitin ligase; minus strand). Cytogenetic location: 9p21.1.
Variant type: single nucleotide variant.
Coding change: c.1807C>T on transcript NM_005802.5 (MANE Select); coding-DNA position 1807, C replaced by T.
Protein change: p.Arg603Cys; replaces arginine 603 with cysteine.
Molecular consequence: missense variant.
Genome position (GRCh38, 1-based): chr9:32,542,718, G>A on the plus strand (C>T on the coding strand, the complement: TOPORS is on the minus strand). VCF-style: chr9-32542718-G-A. GRCh37 (hg19) VCF-style: chr9-32542716-G-A.
Other names: c.1612C>T, p.Arg538Cys (NM_001195622.2); short protein forms R538C, R603C.
Identifiers: ClinVar variation 2014907 (VCV002014907.4), dbSNP rs550660279, ClinGen allele CA5020467.
Genomic context (GRCh38, chr9:32,542,718, plus strand): 5'-TTTTCTTCCCATGATGCTTTCTATGATTCTTCTGATCATGCCCACTTCTACTCTGAGAAC[G>A]TGAATCTGAACTTCTTGATCTTCCCCTCTTTCTGTGTCTATGGTTATATGGAGAATATAC-3'
Protein context (NP_005793.2, residues 593-613): KRGRSRSSDS[Arg603Cys]SQSRSGHDQK